The following is an entry in ClinVar:

ClinVar aggregate classification (germline): Uncertain significance. Review status: criteria provided, multiple submitters, no conflicts (2 of 4 stars). 4 submissions from 4 submitters: Uncertain significance (4). Last evaluated 2025-02-01.

Conditions:
Hereditary cancer-predisposing syndrome. Also called: Hereditary neoplastic syndrome; Neoplastic Syndromes, Hereditary; Tumor predisposition; Hereditary Cancer Syndrome. Identifiers: Orphanet 140162, MedGen C0027672, MeSH D009386, MONDO:0015356.
Retinoblastoma (RB1). Also called: RETINOBLASTOMA, SOMATIC. Identifiers: Orphanet 790, MedGen C0035335, MeSH D012175, MONDO:0008380, OMIM 180200, HP:0009919. Disease mechanism: loss of function. Inheritance: Both sporadic and heritable forms are tested..
Malignant tumor of urinary bladder. Also called: Urinary bladder cancer; Urinary Bladder Neoplasms; Bladder cancer. Identifiers: MedGen C0005684, MONDO:0001187, OMIM 109800.

Allele frequency attached by ClinVar (database versions not stated): TOPMed below 0.00001.

Submissions (4):

Ambry Genetics
Classification: Uncertain significance for Hereditary cancer-predisposing syndrome. Last evaluated: 2025-02-01. Review status: criteria provided, single submitter. Criteria: Ambry Variant Classification Scheme 2023. Collection method: clinical testing. Allele origin: germline.
Comment: The p.P776H variant (also known as c.2327C>A), located in coding exon 23 of the RB1 gene, results from a C to A substitution at nucleotide position 2327. The proline at codon 776 is replaced by histidine, an amino acid with similar properties. This amino acid position is well conserved in available vertebrate species. In addition, the in silico prediction for this alteration is inconclusive. Since supporting evidence is limited at this time, the clinical significance of this alteration remains unclear.

Labcorp Genetics (formerly Invitae), Labcorp
Classification: Uncertain significance for Retinoblastoma. Last evaluated: 2024-12-04. Review status: criteria provided, single submitter. Criteria: Invitae Variant Classification Sherloc (09022015). Collection method: clinical testing. Allele origin: germline.
Comment: This sequence change replaces proline, which is neutral and non-polar, with histidine, which is basic and polar, at codon 776 of the RB1 protein (p.Pro776His). This variant is not present in population databases (gnomAD no frequency). This variant has not been reported in the literature in individuals affected with RB1-related conditions. ClinVar contains an entry for this variant (Variation ID: 486288). An algorithm developed to predict the effect of missense changes on protein structure and function (PolyPhen-2) suggests that this variant is likely to be disruptive. In summary, the available evidence is currently insufficient to determine the role of this variant in disease. Therefore, it has been classified as a Variant of Uncertain Significance.

GeneDx
Classification: Uncertain significance. Last evaluated: 2024-11-07. Review status: criteria provided, single submitter. Criteria: GeneDx Variant Classification Process June 2021. Collection method: clinical testing. Allele origin: germline.
Comment: Not observed at significant frequency in large population cohorts (gnomAD); In silico analysis indicates that this missense variant does not alter protein structure/function; Has not been previously published as pathogenic or benign to our knowledge; This variant is associated with the following publications: (PMID: 23516486)

Baylor Genetics
Classification: Uncertain significance for Malignant tumor of urinary bladder. Last evaluated: 2023-09-15. Review status: criteria provided, single submitter. Criteria: ACMG Guidelines, 2015. Collection method: clinical testing. Allele origin: unknown.

NM_000321.3(RB1):c.2327C>A (p.Pro776His)

Gene: RB1 (RB transcriptional corepressor 1; plus strand). Cytogenetic location: 13q14.2.
Variant type: single nucleotide variant.
Coding change: c.2327C>A on transcript NM_000321.3 (MANE Select); coding-DNA position 2327, C replaced by A.
Protein change: p.Pro776His; replaces proline 776 with histidine.
Molecular consequence: missense variant.
Genome position (GRCh38, 1-based): chr13:48,465,206, C>A. VCF-style: chr13-48465206-C-A. GRCh37 (hg19) VCF-style: chr13-49039342-C-A.
Other names: short protein forms P776H.
Identifiers: ClinVar variation 486288 (VCV000486288.16), dbSNP rs912203557, ClinGen allele CA249310458.